The following is an entry in ClinVar:

NM_001378414.1(HDAC4):c.2108G>T (p.Cys703Phe)

Gene: HDAC4 (histone deacetylase 4; minus strand). Cytogenetic location: 2q37.3.
Variant type: single nucleotide variant.
Coding change: c.2108G>T on transcript NM_001378414.1 (MANE Select); coding-DNA position 2108, G replaced by T.
Protein change: p.Cys703Phe; replaces cysteine 703 with phenylalanine.
Molecular consequence: missense variant.
Genome position (GRCh38, 1-based): chr2:239,108,054, C>A on the plus strand (G>T on the coding strand, the complement: HDAC4 is on the minus strand). VCF-style: chr2-239108054-C-A. GRCh37 (hg19) VCF-style: chr2-240029750-C-A.
Other names: c.2108G>T, p.Cys703Phe (NM_001378415.1); c.2093G>T, p.Cys698Phe (NM_001378416.1, NM_001378417.1, NM_006037.4); short protein forms C698F, C703F.
Identifiers: ClinVar variation 1303354 (VCV001303354.2), dbSNP rs2152784816, ClinGen allele CA351267821.

ClinVar aggregate classification (germline): Uncertain significance (1 of 4 stars; one submission).

Submission:

GeneDx
Classification: Uncertain significance. Last evaluated: 2019-07-02. Review status: criteria provided, single submitter. Criteria: GeneDx Variant Classification Process June 2021. Collection method: clinical testing. Allele origin: germline. Affected: yes.
Comment: Not observed in large population cohorts (Lek et al., 2016); In silico analysis, which includes protein predictors and evolutionary conservation, supports a deleterious effect; Has not been previously published as pathogenic or benign to our knowledge